The following is an entry in ClinVar:

ClinVar aggregate classification (germline): Pathogenic/Likely pathogenic. Review status: criteria provided, multiple submitters, no conflicts (2 of 4 stars). 3 submissions from 3 submitters: Pathogenic (2); Likely pathogenic (1). Last evaluated 2025-05-12.

Conditions:
Congenital hyperammonemia, type I. Also called: Carbamoyl phosphate synthetase I deficiency disease; CPS I DEFICIENCY; Carbamoyl-phosphate synthase I deficiency; Carbamoyl phosphate synthetase 1 deficiency; Hyperammonemia due to carbamoyl phosphate synthetase 1 deficiency; CPS 1 deficiency. Identifiers: Orphanet 147, MedGen C4082171, MONDO:0009376, OMIM 237300.

Submissions (3):

Myriad Genetics, Inc.
Classification: Pathogenic for Congenital hyperammonemia, type I. Last evaluated: 2025-05-12. Review status: criteria provided, single submitter. Criteria: Myriad Autosomal Dominant, Autosomal Recessive and X-Linked Classification Criteria (2023). Collection method: clinical testing. Allele origin: unknown.
Comment: NM_001875.4(CPS1):c.3358_3359delAA(K1120Vfs*25) is a frameshift variant classified as pathogenic in the context of carbamoylphosphate synthetase I deficiency. K1120Vfs*25 has been observed in cases with relevant disease (PMID: 9686343, 16737834). Relevant functional assessments of this variant are not available in the literature. K1120Vfs*25 has not been observed in referenced population frequency databases. In summary, NM_001875.4(CPS1):c.3358_3359delAA(K1120Vfs*25) is a frameshift variant in a gene where loss of function is a known mechanism of disease, is predicted to disrupt protein function, and has been observed more frequently in cases with the relevant disease than in healthy populations. Please note: this variant was assessed in the context of healthy population screening. Please note: this variant was assessed in the context of healthy population screening.

Labcorp Genetics (formerly Invitae), Labcorp
Classification: Pathogenic for Congenital hyperammonemia, type I. Last evaluated: 2024-01-31. Review status: criteria provided, single submitter. Criteria: Invitae Variant Classification Sherloc (09022015). Collection method: clinical testing. Allele origin: germline.
Comment: This sequence change creates a premature translational stop signal (p.Lys1120Valfs*25) in the CPS1 gene. It is expected to result in an absent or disrupted protein product. Loss-of-function variants in CPS1 are known to be pathogenic (PMID: 21120950). This variant is not present in population databases (gnomAD no frequency). This premature translational stop signal has been observed in individual(s) with carbamoyl-phosphate synthase I deficiency (PMID: 9686343, 16737834). ClinVar contains an entry for this variant (Variation ID: 917755). For these reasons, this variant has been classified as Pathogenic.

Women's Health and Genetics/Laboratory Corporation of America, LabCorp
Classification: Likely pathogenic for Carbamoyl-phosphate synthetase 1 deficiency. Last evaluated: 2020-04-06. Review status: criteria provided, single submitter. Criteria: LabCorp Variant Classification Summary - May 2015. Collection method: clinical testing. Allele origin: germline.
Comment: Variant summary: CPS1 c.3358_3359delAA (p.Lys1120ValfsX25) results in a premature termination codon, predicted to cause a truncation of the encoded protein or absence of the protein due to nonsense mediated decay, which are commonly known mechanisms for disease. Truncations downstream of this position have been classified as pathogenic by our laboratory. The variant was absent in 251162 control chromosomes (gnomAD). c.3358_3359delAA has been reported in the literature in one homozygous individual affected with Carbamoylphosphate Synthetase I Deficiency (Summar_1998). The data indicate that the variant may be associated with disease. To our knowledge, no experimental evidence demonstrating an impact on protein function has been reported. No clinical diagnostic laboratories have submitted clinical-significance assessments for this variant to ClinVar after 2014. Based on the evidence outlined above, the variant was classified as likely pathogenic.

Literature cited by the submitters: PubMed 16737834 (cited by Myriad Genetics, Inc. and Labcorp Genetics (formerly Invitae), Labcorp); PubMed 9686343 (cited by 3 submitters); PubMed 21120950 (cited by Labcorp Genetics (formerly Invitae), Labcorp and Women's Health and Genetics/Laboratory Corporation of America, LabCorp); PubMed 20800523 (cited by Women's Health and Genetics/Laboratory Corporation of America, LabCorp); PubMed 31507628 (cited by Women's Health and Genetics/Laboratory Corporation of America, LabCorp).

NM_001875.5(CPS1):c.3358_3359del (p.Lys1120fs)

Gene: CPS1 (carbamoyl-phosphate synthase 1; plus strand). Cytogenetic location: 2q34.
Variant type: Deletion.
Coding change: c.3358_3359del on transcript NM_001875.5 (MANE Select); coding-DNA positions 3358 to 3359, 2 bases deleted (AA; older notation c.3358_3359delAA).
Protein change: p.Lys1120fs; shifts the reading frame from lysine 1120.
Molecular consequence: frameshift variant. On other transcripts: non-coding transcript variant (2).
Genome position (GRCh38, 1-based): chr2:210,648,494-210,648,495, AA deleted; deleting any 2 consecutive bases within chr2:210,648,493-210,648,495 gives the same sequence; the c. name uses the placement nearest the transcript's 3' end. VCF-style (leftmost placement, unchanged base first): chr2-210648492-CAA-C. GRCh37 (hg19) VCF-style: chr2-211513216-CAA-C.
Other names: c.3358_3359del, p.Lys1120fs (NM_001122633.3, NM_001369257.1); c.3391_3392del, p.Lys1131fs (NM_001369256.1); short protein forms K1120fs, K1131fs.
Identifiers: ClinVar variation 917755 (VCV000917755.5), dbSNP rs1700454068, ClinGen allele CA1139657659.